The following is an entry in ClinVar:

ClinVar aggregate classification (germline): Uncertain significance. Review status: criteria provided, multiple submitters, no conflicts (2 of 4 stars). 2 submissions from 2 submitters: Uncertain significance (2). Last evaluated 2025-05-14.

gnomAD v4.1: 4 of 1,613,500 alleles (0.00025%); highest among the groups gnomAD compares: East Asian, 0.0067%; no homozygotes.

Submissions (2):

Ambry Genetics
Classification: Uncertain significance. Last evaluated: 2025-05-14. Review status: criteria provided, single submitter. Criteria: Ambry Variant Classification Scheme 2023. Collection method: clinical testing. Allele origin: germline.

GeneDx
Classification: Uncertain significance. Last evaluated: 2025-05-08. Review status: criteria provided, single submitter. Criteria: GeneDx Variant Classification Process June 2021. Collection method: clinical testing. Allele origin: germline. Affected: yes.
Comment: Not observed at significant frequency in large population cohorts (gnomAD); In silico analysis suggests that this missense variant does not alter protein structure/function; Has not been previously published as pathogenic or benign to our knowledge

NM_001164760.2(PRKAR1B):c.16G>A (p.Ala6Thr)

Gene: PRKAR1B (protein kinase cAMP-dependent type I regulatory subunit beta; minus strand). Cytogenetic location: 7p22.3.
Variant type: single nucleotide variant.
Coding change: c.16G>A on transcript NM_001164760.2 (MANE Select); coding-DNA position 16, G replaced by A.
Protein change: p.Ala6Thr; replaces alanine 6 with threonine.
Molecular consequence: missense variant.
Genome position (GRCh38, 1-based): chr7:711,490, C>T on the plus strand (G>A on the coding strand, the complement: PRKAR1B is on the minus strand). VCF-style: chr7-711490-C-T. GRCh37 (hg19) VCF-style: chr7-751127-C-T.
Other names: c.16G>A, p.Ala6Thr (NM_001164758.2, NM_001164759.1, NM_001164761.2 and 2 more transcripts); short protein forms A6T.
Identifiers: ClinVar variation 3372938 (VCV003372938.3).
Genomic context (GRCh38, chr7:711,490, plus strand): 5'-CGTGCAGCTGCACGTACAGCTCACAGCCCTTCAGGCTCTCGTCCTCCTCCGAGGGGCAGG[C>T]GGGCGGGGAGGCCATGGCGAGGGTGGCTGCTTCCTTCCTGTCCAGAAAACACACAGATCC-3'
Protein context (NP_001158232.1, residues 1-16): MASPP[Ala6Thr]CPSEEDESLK